The following is an entry in ClinVar:

ClinVar aggregate classification (germline): Uncertain significance. Review status: criteria provided, multiple submitters, no conflicts (2 of 4 stars). 4 submissions from 4 submitters: Uncertain significance (4). Last evaluated 2026-01-17.

Conditions:
Inborn genetic diseases. Identifiers: MedGen C0950123, MeSH D030342.
Emery-Dreifuss muscular dystrophy 4, autosomal dominant (EDMD4). Also called: EMERY-DREIFUSS MUSCULAR DYSTROPHY 4 WITH VARIABLE FEATURES. Identifiers: Orphanet 261, MedGen C2751807, MONDO:0013071, OMIM 612998.
Autosomal recessive ataxia, Beauce type. Also called: SYNE1-Related Autosomal Recessive Cerebellar Ataxia; Spinocerebellar ataxia, autosomal recessive 8; ATAXIA, RECESSIVE, OF BEAUCE; SYNE1 Deficiency. Identifiers: Orphanet 88644, MedGen C1853116, MONDO:0012549, OMIM 610743.

Allele frequency attached by ClinVar (database versions not stated): gnomAD exomes 0.00004; ExAC 0.00005; TOPMed 0.00010; gnomAD 0.00012 and 0.00014.
gnomAD v4.1: 51 of 1,614,092 alleles (0.0032%); highest among the groups gnomAD compares: African/African-American, 0.049%; no homozygotes.

Submissions (4):

Labcorp Genetics (formerly Invitae), Labcorp
Classification: Uncertain significance for Emery-Dreifuss muscular dystrophy 4, autosomal dominant; Autosomal recessive ataxia, Beauce type. Last evaluated: 2026-01-17. Review status: criteria provided, single submitter. Criteria: Invitae Variant Classification Sherloc (09022015). Collection method: clinical testing. Allele origin: germline.
Comment: This sequence change replaces lysine, which is basic and polar, with asparagine, which is neutral and polar, at codon 2010 of the SYNE1 protein (p.Lys2010Asn). This variant is present in population databases (rs772627014, gnomAD 0.04%). This variant has not been reported in the literature in individuals affected with SYNE1-related conditions. ClinVar contains an entry for this variant (Variation ID: 498929). An algorithm developed to predict the effect of missense changes on protein structure and function (PolyPhen-2) suggests that this variant is likely to be tolerated. In summary, the available evidence is currently insufficient to determine the role of this variant in disease. Therefore, it has been classified as a Variant of Uncertain Significance.

Revvity Omics, Revvity
Classification: Uncertain significance. Last evaluated: 2023-09-24. Review status: criteria provided, single submitter. Criteria: ACMG Guidelines, 2015. Collection method: clinical testing. Allele origin: germline.

Ambry Genetics
Classification: Uncertain significance for Inborn genetic diseases. Last evaluated: 2021-07-06. Review status: criteria provided, single submitter. Criteria: Ambry Variant Classification Scheme 2023. Collection method: clinical testing. Allele origin: germline.

Eurofins Ntd Llc (ga)
Classification: Uncertain significance. Last evaluated: 2016-12-05. Review status: criteria provided, single submitter. Criteria: EGL Classification Definitions 2015. Collection method: clinical testing. Allele origin: germline. Observed: 1 variant allele, 1 heterozygote.

NM_182961.4(SYNE1):c.6009A>C (p.Lys2003Asn)

Gene: SYNE1 (spectrin repeat containing nuclear envelope protein 1; minus strand). Cytogenetic location: 6q25.2.
Variant type: single nucleotide variant.
Coding change: c.6009A>C on transcript NM_182961.4 (MANE Select); coding-DNA position 6009, A replaced by C.
Protein change: p.Lys2003Asn; replaces lysine 2003 with asparagine.
Molecular consequence: missense variant.
Genome position (GRCh38, 1-based): chr6:152,416,428, T>G on the plus strand (A>C on the coding strand, the complement: SYNE1 is on the minus strand). VCF-style: chr6-152416428-T-G. GRCh37 (hg19) VCF-style: chr6-152737563-T-G.
Other names: c.6030A>C, p.Lys2010Asn (NM_033071.5); short protein forms K2003N, K2010N.
Identifiers: ClinVar variation 498929 (VCV000498929.12), dbSNP rs772627014, ClinGen allele CA4058192.